The following is an entry in ClinVar:

ClinVar aggregate classification (germline): Uncertain significance (1 of 4 stars; one submission).

Allele frequency attached by ClinVar (database versions not stated): gnomAD exomes 0.00001.
gnomAD v4.1: 5 of 1,596,174 alleles (0.00031%); highest among the groups gnomAD compares: South Asian, 0.0011%; no homozygotes.

Submission:

Labcorp Genetics (formerly Invitae), Labcorp
Classification: Uncertain significance. Last evaluated: 2020-03-16. Review status: criteria provided, single submitter. Criteria: Invitae Variant Classification Sherloc (09022015). Collection method: clinical testing. Allele origin: germline.
Comment: Nucleotide substitutions within the consensus splice site are a relatively common cause of aberrant splicing (PMID: 17576681, 9536098). Algorithms developed to predict the effect of sequence changes on RNA splicing suggest that this variant may disrupt the consensus splice site, but this prediction has not been confirmed by published transcriptional studies. In summary, the available evidence is currently insufficient to determine the role of this variant in disease. Therefore, it has been classified as a Variant of Uncertain Significance. Algorithms developed to predict the effect of missense changes on protein structure and function (SIFT, PolyPhen-2, Align-GVGD) all suggest that this variant is likely to be tolerated, but these predictions have not been confirmed by published functional studies and their clinical significance is uncertain. This variant has not been reported in the literature in individuals with EMC1-related conditions. This variant is not present in population databases (ExAC no frequency). This sequence change replaces lysine with asparagine at codon 648 of the EMC1 protein (p.Lys648Asn). The lysine residue is moderately conserved and there is a moderate physicochemical difference between lysine and asparagine. This variant also falls at the last nucleotide of exon 16 of the EMC1 coding sequence, which is part of the consensus splice site for this exon.

Literature cited by the submitters: PubMed 17576681; PubMed 9536098.

NM_015047.3(EMC1):c.1944G>T (p.Lys648Asn)

Genes: EMC1 (ER membrane protein complex subunit 1; minus strand), EMC1-AS1 (EMC1 antisense RNA 1; plus strand). Cytogenetic location: 1p36.13.
Variant type: single nucleotide variant.
Coding change: c.1944G>T on transcript NM_015047.3 (MANE Select); coding-DNA position 1944, G replaced by T.
Protein change: p.Lys648Asn; replaces lysine 648 with asparagine.
Molecular consequence: missense variant.
Genome position (GRCh38, 1-based): chr1:19,231,261, C>A on the plus strand (G>T on the coding strand, the complement: EMC1 is on the minus strand). VCF-style: chr1-19231261-C-A. GRCh37 (hg19) VCF-style: chr1-19557755-C-A.
Other names: c.1941G>T, p.Lys647Asn (NM_001271427.2, NM_001271428.2); c.1878G>T, p.Lys626Asn (NM_001271429.2); c.1953G>T, p.Lys651Asn (NM_001375820.1); c.1950G>T, p.Lys650Asn (NM_001375821.1); short protein forms K626N, K647N, K648N, K650N, K651N.
Identifiers: ClinVar variation 1058456 (VCV001058456.9), dbSNP rs1315154488, ClinGen allele CA338759070.